The following is an entry in ClinVar:

NC_000002.11:g.(?_31558824)_(31637532_?)dup

Gene: XDH (xanthine dehydrogenase; minus strand). Cytogenetic location: 2p23.1.
Variant type: Duplication.
Identifiers: ClinVar variation 1372858 (VCV001372858.5).

ClinVar aggregate classification (germline): Uncertain significance (1 of 4 stars; one submission).

Conditions:
Xanthinuria type II. Also called: Xanthine dehydrogenase and aldehyde oxidase combined deficiency of; XDH and AOX dual deficiency. Identifiers: Orphanet 3467, Orphanet 93602, MedGen C1863688, MONDO:0011346, OMIM 603592.

Submission:

Labcorp Genetics (formerly Invitae), Labcorp
Classification: Uncertain significance for Xanthinuria type II. Last evaluated: 2022-07-18. Review status: criteria provided, single submitter. Criteria: Invitae Variant Classification Sherloc (09022015). Collection method: clinical testing. Allele origin: germline.
Comment: In summary, the available evidence is currently insufficient to determine the role of this variant in disease. Therefore, it has been classified as a Variant of Uncertain Significance. This variant has not been reported in the literature in individuals affected with XDH-related conditions. A copy number gain of the genomic region encompassing the full coding sequence of the XDH gene has been identified. The boundaries of this event are unknown as they extend beyond the assayed region for this gene and therefore may encompass additional genes. As the precise location of this event is unknown, it may be in tandem or it may be located elsewhere in the genome.